The following is an entry in ClinVar:

NM_002156.5(HSPD1):c.122T>C (p.Leu41Pro)

Gene: HSPD1 (heat shock protein family D (Hsp60) member 1; minus strand). Cytogenetic location: 2q33.1.
Variant type: single nucleotide variant.
Coding change: c.122T>C on transcript NM_002156.5 (MANE Select); coding-DNA position 122, T replaced by C.
Protein change: p.Leu41Pro; replaces leucine 41 with proline.
Molecular consequence: missense variant.
Genome position (GRCh38, 1-based): chr2:197,498,727, A>G on the plus strand (T>C on the coding strand, the complement: HSPD1 is on the minus strand). VCF-style: chr2-197498727-A-G. GRCh37 (hg19) VCF-style: chr2-198363451-A-G.
Other names: c.122T>C, p.Leu41Pro (NM_199440.2); short protein forms L41P.
Identifiers: ClinVar variation 2707471 (VCV002707471.3), dbSNP rs2470125736, ClinGen allele CA350204148.

ClinVar aggregate classification (germline): Uncertain significance (1 of 4 stars; one submission).

Conditions:
Spastic paraplegia. Identifiers: MedGen C0037772, HP:0001258.

Submission:

Labcorp Genetics (formerly Invitae), Labcorp
Classification: Uncertain significance for Spastic paraplegia. Last evaluated: 2024-01-19. Review status: criteria provided, single submitter. Criteria: Invitae Variant Classification Sherloc (09022015). Collection method: clinical testing. Allele origin: germline.
Comment: This sequence change replaces leucine, which is neutral and non-polar, with proline, which is neutral and non-polar, at codon 41 of the HSPD1 protein (p.Leu41Pro). This variant is not present in population databases (gnomAD no frequency). This variant has not been reported in the literature in individuals affected with HSPD1-related conditions. Advanced modeling of protein sequence and biophysical properties (such as structural, functional, and spatial information, amino acid conservation, physicochemical variation, residue mobility, and thermodynamic stability) performed at Invitae indicates that this missense variant is expected to disrupt HSPD1 protein function with a positive predictive value of 80%. In summary, the available evidence is currently insufficient to determine the role of this variant in disease. Therefore, it has been classified as a Variant of Uncertain Significance.